The following is an entry in ClinVar:

NM_000264.5(PTCH1):c.3389C>T (p.Ala1130Val)

Gene: PTCH1 (patched 1; minus strand). Cytogenetic location: 9q22.32.
Variant type: single nucleotide variant.
Coding change: c.3389C>T on transcript NM_000264.5 (MANE Select); coding-DNA position 3389, C replaced by T.
Protein change: p.Ala1130Val; replaces alanine 1130 with valine.
Molecular consequence: missense variant. On other transcripts: non-coding transcript variant (1).
Genome position (GRCh38, 1-based): chr9:95,453,538, G>A on the plus strand (C>T on the coding strand, the complement: PTCH1 is on the minus strand). VCF-style: chr9-95453538-G-A. GRCh37 (hg19) VCF-style: chr9-98215820-G-A.
Other names: c.3191C>T, p.Ala1064Val (NM_001083602.3); c.3386C>T, p.Ala1129Val (NM_001083603.3); c.2936C>T, p.Ala979Val (NM_001083604.3, NM_001083605.3, NM_001083606.3 and 1 more transcripts); c.3233C>T, p.Ala1078Val (NM_001354918.2); short protein forms A1078V, A1129V, A979V, A1064V, A1130V.
Identifiers: ClinVar variation 823707 (VCV000823707.5), dbSNP rs1588528579, ClinGen allele CA374111768.
Genomic context (GRCh38, chr9:95,453,538, plus strand): 5'-CTGACAATGAAGTCGAACTCAGATCCCGCCAGCATCAGCACTCCCAGCAGAGTGGACACG[G>A]CGCCATCCAGGACGGGTGCAAACATGTGCTCCAGGGCAAGCACAGCCCTGCGGTTCTTGT-3'
Protein context (NP_000255.2, residues 1120-1140): EHMFAPVLDG[Ala1130Val]VSTLLGVLML

ClinVar aggregate classification (germline): Uncertain significance (1 of 4 stars; one submission).

Conditions:
Hereditary cancer-predisposing syndrome. Also called: Neoplastic Syndromes, Hereditary; Tumor predisposition; Hereditary neoplastic syndrome; Hereditary Cancer Syndrome. Identifiers: Orphanet 140162, MedGen C0027672, MeSH D009386, MONDO:0015356.

Submission:

Ambry Genetics
Classification: Uncertain significance for Hereditary cancer-predisposing syndrome. Last evaluated: 2025-01-04. Review status: criteria provided, single submitter. Criteria: Ambry Variant Classification Scheme 2023. Collection method: clinical testing. Allele origin: germline.
Comment: The p.A1130V variant (also known as c.3389C>T), located in coding exon 20 of the PTCH1 gene, results from a C to T substitution at nucleotide position 3389. The alanine at codon 1130 is replaced by valine, an amino acid with similar properties. This amino acid position is highly conserved in available vertebrate species. In addition, this alteration is predicted to be deleterious by in silico analysis. Since supporting evidence is limited at this time, the clinical significance of this alteration remains unclear.